The following is an entry in ClinVar:

ClinVar aggregate classification (germline): Uncertain significance (1 of 4 stars; one submission).

Conditions:
Rienhoff syndrome. Also called: LOEYS-DIETZ SYNDROME 5. Identifiers: MedGen C3810012, MONDO:0014262, OMIM 615582.

Submission:

Labcorp Genetics (formerly Invitae), Labcorp
Classification: Uncertain significance for Rienhoff syndrome. Last evaluated: 2025-10-25. Review status: criteria provided, single submitter. Criteria: Invitae Variant Classification Sherloc (09022015). Collection method: clinical testing. Allele origin: germline.
Comment: This sequence change replaces proline, which is neutral and non-polar, with alanine, which is neutral and non-polar, at codon 234 of the TGFB3 protein (p.Pro234Ala). This variant is not present in population databases (gnomAD no frequency). This variant has not been reported in the literature in individuals affected with TGFB3-related conditions. Invitae Evidence Modeling of protein sequence and biophysical properties (such as structural, functional, and spatial information, amino acid conservation, physicochemical variation, residue mobility, and thermodynamic stability) indicates that this missense variant is not expected to disrupt TGFB3 protein function with a negative predictive value of 80%. In summary, the available evidence is currently insufficient to determine the role of this variant in disease. Therefore, it has been classified as a Variant of Uncertain Significance.

NM_003239.5(TGFB3):c.700C>G (p.Pro234Ala)

Gene: TGFB3 (transforming growth factor beta 3; minus strand). Cytogenetic location: 14q24.3.
Variant type: single nucleotide variant.
Coding change: c.700C>G on transcript NM_003239.5 (MANE Select); coding-DNA position 700, C replaced by G.
Protein change: p.Pro234Ala; replaces proline 234 with alanine.
Molecular consequence: missense variant.
Genome position (GRCh38, 1-based): chr14:75,965,642, G>C on the plus strand (C>G on the coding strand, the complement: TGFB3 is on the minus strand). VCF-style: chr14-75965642-G-C. GRCh37 (hg19) VCF-style: chr14-76431985-G-C.
Other names: c.700C>G, p.Pro234Ala (NM_001329938.2, NM_001329939.2); short protein forms P234A.
Identifiers: ClinVar variation 4742773 (VCV004742773.1).